The following is an entry in ClinVar:

NM_000038.6(APC):c.2493dup (p.Pro832fs)

Gene: APC (APC regulator of Wnt signaling pathway; plus strand). Cytogenetic location: 5q22.2.
Variant type: Duplication.
Coding change: c.2493dup on transcript NM_000038.6 (MANE Select); coding-DNA position 2493, one base duplicated (A; older notation c.2493dupA).
Protein change: p.Pro832fs; shifts the reading frame from proline 832.
Molecular consequence: frameshift variant.
Genome position (GRCh38, 1-based): chr5:112,838,087, A duplicated. VCF-style (leftmost placement, unchanged base first): chr5-112838086-T-TA. GRCh37 (hg19) VCF-style: chr5-112173783-T-TA.
Other names: c.2493dupA (NM_000038.5); c.2493dup, p.Pro832fs (NM_001127510.3, NM_001354895.2); c.2439dup, p.Pro814fs (NM_001127511.3); c.2547dup, p.Pro850fs (NM_001354896.2); c.2523dup, p.Pro842fs (NM_001354897.2); c.2418dup, p.Pro807fs (NM_001354898.2); c.2409dup, p.Pro804fs (NM_001354899.2); c.2370dup, p.Pro791fs (NM_001354900.2); and 6 more; short protein forms P549fs, P706fs, P773fs, P731fs, P832fs, P850fs, P672fs, P741fs.
Identifiers: ClinVar variation 1458217 (VCV001458217.11), dbSNP rs2149870906, ClinGen allele CA658760744.

ClinVar aggregate classification (germline): Pathogenic/Likely pathogenic. Review status: criteria provided, multiple submitters, no conflicts (2 of 4 stars). 4 submissions from 4 submitters: Pathogenic (3); Likely pathogenic (1). Last evaluated 2025-07-17.

Conditions:
Hereditary cancer-predisposing syndrome. Also called: Neoplastic Syndromes, Hereditary; Hereditary Cancer Syndrome; Hereditary neoplastic syndrome; Tumor predisposition. Identifiers: Orphanet 140162, MedGen C0027672, MeSH D009386, MONDO:0015356.
Familial adenomatous polyposis 1 (FAP1). Also called: POLYPOSIS, ADENOMATOUS INTESTINAL; FAMILIAL ADENOMATOUS POLYPOSIS 1, ATTENUATED. Identifiers: MedGen C2713442, MONDO:0021056, OMIM 175100. Disease mechanism: loss of function.

Submissions (4):

Ambry Genetics
Classification: Likely pathogenic for Hereditary cancer-predisposing syndrome. Last evaluated: 2025-07-17. Review status: criteria provided, single submitter. Criteria: Ambry Variant Classification Scheme 2023. Collection method: clinical testing. Allele origin: germline.
Comment: The c.2493dupA variant, located in coding exon 15 of the APC gene, results from a duplication of A at nucleotide position 2493, causing a translational frameshift with a predicted alternate stop codon (p.P832Tfs*12). This alteration occurs at the 3' terminus of theAPC gene, is not expected to trigger nonsense-mediated mRNA decay, and impacts the last 70% of the protein. However, premature stop codons are typically deleterious in nature and the impacted region is critical for protein function and a significant portion of the protein is affected (Ambry internal data). This variant was reported in individual(s) with features consistent with APC-related familial adenomatous polyposis (Cao X et al. Eur J Hum Genet, 2000 Jan;8:42-8; Smith CG et al. Hum Mutat, 2013 Jul;34:1026-34). This variant is considered to be rare based on population cohorts in the Genome Aggregation Database (gnomAD). Based on the majority of available evidence to date, this variant is likely to be pathogenic.

ARUP Laboratories, Molecular Genetics and Genomics, ARUP Laboratories
Classification: Pathogenic. Last evaluated: 2024-11-08. Review status: criteria provided, single submitter. Criteria: ARUP Molecular Germline Variant Investigation Process 2024. Collection method: clinical testing. Allele origin: germline.
Comment: The APC c.2493dup; p.Pro832ThrfsTer12 variant (ClinVar Variation ID: 1458217), also known as 2492_2493insA, is reported in the literature in individuals affected with familial adenomatous polyposis or colorectal cancer (Cao 2000, Kim 2005, Smith 2013). This variant is absent from the Genome Aggregation Database (v2.1.1), indicating it is not a common polymorphism. This variant causes a frameshift by inserting a single nucleotide, so it is predicted to result in a truncated protein or mRNA subject to nonsense-mediated decay. Additionally, several downstream truncating variants have been described in individuals with FAP and are considered disease-causing (Kerr 2013). Based on available information, this variant is considered to be pathogenic. References: Cao X et al. APC mutation and phenotypic spectrum of Singapore familial adenomatous polyposis patients. Eur J Hum Genet. 2000 Jan;8(1):42-8. PMID: 10713886. Kerr SE et al. APC germline mutations in individuals being evaluated for familial adenomatous polyposis: a review of the Mayo Clinic experience with 1591 consecutive tests. J Mol Diagn. 2013 Jan;15(1):31-43. PMID: 23159591. Kim DW et al. Mutation spectrum of the APC gene in 83 Korean FAP families. Hum Mutat. 2005 Sep;26(3):281. PMID: 16088911. Smith CG et al. Exome resequencing identifies potential tumor-suppressor genes that predispose to colorectal cancer. Hum Mutat. 2013 Jul;34(7):1026-34. PMID: 23585368.

Myriad Genetics, Inc.
Classification: Pathogenic for Familial adenomatous polyposis 1. Last evaluated: 2023-05-04. Review status: criteria provided, single submitter. Criteria: Myriad Autosomal Dominant, Autosomal Recessive and X-Linked Classification Criteria (2023). Collection method: clinical testing. Allele origin: unknown.
Comment: This variant is considered pathogenic. This variant creates a frameshift predicted to result in premature protein truncation.

Labcorp Genetics (formerly Invitae), Labcorp
Classification: Pathogenic for Familial adenomatous polyposis 1. Last evaluated: 2021-02-01. Review status: criteria provided, single submitter. Criteria: Invitae Variant Classification Sherloc (09022015). Collection method: clinical testing. Allele origin: germline.
Comment: This variant is not present in population databases (ExAC no frequency). This sequence change creates a premature translational stop signal (p.Pro832Thrfs*12) in the APC gene. While this is not anticipated to result in nonsense mediated decay, it is expected to disrupt the last 2012 amino acid(s) of the APC protein. This variant has been observed in individual(s) with familial adenomatous polyposis and colorectal cancer (PMID: 10713886, 23585368). This variant is also known as c.2492_2493insA. A different truncation (p.Tyr2645Lysfs*14) that lies downstream of this variant has been determined to be pathogenic (PMID: 9824584, 1316610, 27081525, 8381579, 22135120, Invitae). This suggests that deletion of this region of the APC protein is causative of disease. For these reasons, this variant has been classified as Pathogenic. This variant is expected to disrupt the EB1 and HDLG binding sites, which mediate interactions with the cytoskeleton (PMID: 15311282, 17293347). While functional studies have not been performed to directly test the effect on APC protein function, this suggests that disruption of the C-terminal portion of the protein is functionally important.

Literature cited by the submitters: PubMed 10713886 (cited by Ambry Genetics and Labcorp Genetics (formerly Invitae), Labcorp); PubMed 23585368 (cited by Ambry Genetics and Labcorp Genetics (formerly Invitae), Labcorp); PubMed 9824584 (cited by Labcorp Genetics (formerly Invitae), Labcorp); PubMed 1316610 (cited by Labcorp Genetics (formerly Invitae), Labcorp); PubMed 27081525 (cited by Labcorp Genetics (formerly Invitae), Labcorp); PubMed 8381579 (cited by Labcorp Genetics (formerly Invitae), Labcorp); PubMed 22135120 (cited by Labcorp Genetics (formerly Invitae), Labcorp); PubMed 15311282 (cited by Labcorp Genetics (formerly Invitae), Labcorp); PubMed 17293347 (cited by Labcorp Genetics (formerly Invitae), Labcorp).